The following is an entry in ClinVar:

ClinVar aggregate classification (germline): Uncertain significance (1 of 4 stars; one submission).

Conditions:
Primary familial hypertrophic cardiomyopathy (HCM). Identifiers: Orphanet 99739, MedGen C0949658, MeSH D024741, MONDO:0024573. Inheritance: Various modes of inheritance.

Submission:

Labcorp Genetics (formerly Invitae), Labcorp
Classification: Uncertain significance for Primary familial hypertrophic cardiomyopathy. Last evaluated: 2018-11-20. Review status: criteria provided, single submitter. Criteria: Invitae Variant Classification Sherloc (09022015). Collection method: clinical testing. Allele origin: germline.
Comment: In summary, the available evidence is currently insufficient to determine the role of this variant in disease. Therefore, it has been classified as a Variant of Uncertain Significance. Algorithms developed to predict the effect of missense changes on protein structure and function (SIFT, PolyPhen-2, Align-GVGD) all suggest that this variant is likely to be disruptive, but these predictions have not been confirmed by published functional studies and their clinical significance is uncertain. This variant has not been reported in the literature in individuals with ILK-related disease. This variant is not present in population databases (ExAC no frequency). This sequence change replaces histidine with leucine at codon 79 of the ILK protein (p.His79Leu). The histidine residue is highly conserved and there is a moderate physicochemical difference between histidine and leucine.

NM_004517.4(ILK):c.236A>T (p.His79Leu)

Genes: ILK (integrin linked kinase; plus strand), TAF10 (TATA-box binding protein associated factor 10; minus strand). Cytogenetic location: 11p15.4.
Variant type: single nucleotide variant.
Coding change: c.236A>T on transcript NM_004517.4 (MANE Select); coding-DNA position 236, A replaced by T.
Protein change: p.His79Leu; replaces histidine 79 with leucine.
Molecular consequence: missense variant. On other transcripts: intron variant (1), 3 prime UTR variant (1).
Genome position (GRCh38, 1-based): chr11:6,608,192, A>T. VCF-style: chr11-6608192-A-T. GRCh37 (hg19) VCF-style: chr11-6629422-A-T.
Other names: c.-147-202A>T (NM_001278442.2); c.236A>T, p.His79Leu (NM_001014794.3, NM_001014795.3, NM_001278441.2); c.*2730T>A (NM_006284.4); short protein forms H79L.
Identifiers: ClinVar variation 656354 (VCV000656354.9), dbSNP rs1589934860, ClinGen allele CA379455808.